The following is an entry in ClinVar:

ClinVar aggregate classification (germline): Uncertain significance. Review status: criteria provided, multiple submitters, no conflicts (2 of 4 stars). 2 submissions from 2 submitters: Uncertain significance (2). Last evaluated 2024-01-02.

Conditions:
Inborn genetic diseases. Identifiers: MedGen C0950123, MeSH D030342.

Allele frequency attached by ClinVar (database versions not stated): gnomAD exomes below 0.00001; gnomAD 0.00001; TOPMed 0.00003.
gnomAD v4.1: 2 of 1,550,220 alleles (0.00013%); highest among the groups gnomAD compares: Admixed American, 0.002%; no homozygotes.

Submissions (2):

Ambry Genetics
Classification: Uncertain significance for Inborn genetic diseases. Last evaluated: 2024-01-02. Review status: criteria provided, single submitter. Criteria: Ambry Variant Classification Scheme 2023. Collection method: clinical testing. Allele origin: germline.

Labcorp Genetics (formerly Invitae), Labcorp
Classification: Uncertain significance. Last evaluated: 2022-03-29. Review status: criteria provided, single submitter. Criteria: Invitae Variant Classification Sherloc (09022015). Collection method: clinical testing. Allele origin: germline.
Comment: This sequence change replaces threonine, which is neutral and polar, with isoleucine, which is neutral and non-polar, at codon 92 of the LAMC3 protein (p.Thr92Ile). The frequency data for this variant in the population databases is considered unreliable, as metrics indicate poor data quality at this position in the gnomAD database. This variant has not been reported in the literature in individuals affected with LAMC3-related conditions. Algorithms developed to predict the effect of missense changes on protein structure and function are either unavailable or do not agree on the potential impact of this missense change (SIFT: "Deleterious"; PolyPhen-2: "Probably Damaging"; Align-GVGD: "Class C0"). In summary, the available evidence is currently insufficient to determine the role of this variant in disease. Therefore, it has been classified as a Variant of Uncertain Significance.

NM_006059.4(LAMC3):c.275C>T (p.Thr92Ile)

Gene: LAMC3 (laminin subunit gamma 3; plus strand). Cytogenetic location: 9q34.12.
Variant type: single nucleotide variant.
Coding change: c.275C>T on transcript NM_006059.4 (MANE Select); coding-DNA position 275, C replaced by T.
Protein change: p.Thr92Ile; replaces threonine 92 with isoleucine.
Molecular consequence: missense variant.
Genome position (GRCh38, 1-based): chr9:131,009,489, C>T. VCF-style: chr9-131009489-C-T. GRCh37 (hg19) VCF-style: chr9-133884876-C-T.
Other names: c.275C>T (NM_006059.3); short protein forms T92I.
Identifiers: ClinVar variation 1954021 (VCV001954021.3), dbSNP rs1300991999, ClinGen allele CA375250753.